The following is an entry in ClinVar:

NM_001161352.2(KCNMA1):c.1618T>C (p.Trp540Arg)

Gene: KCNMA1 (potassium calcium-activated channel subfamily M alpha 1; minus strand). Cytogenetic location: 10q22.3.
Variant type: single nucleotide variant.
Coding change: c.1618T>C on transcript NM_001161352.2 (MANE Select); coding-DNA position 1618, T replaced by C.
Protein change: p.Trp540Arg; replaces tryptophan 540 with arginine.
Molecular consequence: missense variant.
Genome position (GRCh38, 1-based): chr10:77,073,228, A>G on the plus strand (T>C on the coding strand, the complement: KCNMA1 is on the minus strand). VCF-style: chr10-77073228-A-G. GRCh37 (hg19) VCF-style: chr10-78832986-A-G.
Other names: c.1618T>C, p.Trp540Arg (NM_001014797.3, NM_001161353.2, NM_001271519.2 and 9 more transcripts); c.1456T>C, p.Trp486Arg (NM_001271518.2); c.1078T>C, p.Trp360Arg (NM_001322838.2); c.1750T>C, p.Trp584Arg (NM_001437422.1); short protein forms W360R, W486R, W540R, W584R.
Identifiers: ClinVar variation 4076703 (VCV004076703.1).

ClinVar aggregate classification (germline): Uncertain significance (1 of 4 stars; one submission).

Submission:

GeneDx
Classification: Uncertain significance. Last evaluated: 2025-02-19. Review status: criteria provided, single submitter. Criteria: GeneDx Variant Classification Process June 2021. Collection method: clinical testing. Allele origin: germline. Affected: yes.
Comment: Not observed at significant frequency in large population cohorts (gnomAD); In silico analysis supports that this missense variant has a deleterious effect on protein structure/function; Has not been previously published as pathogenic or benign to our knowledge